The following is an entry in ClinVar:

NM_000215.4(JAK3):c.2158A>T (p.Ser720Cys)

Gene: JAK3 (Janus kinase 3; minus strand). Cytogenetic location: 19p13.11.
Variant type: single nucleotide variant.
Coding change: c.2158A>T on transcript NM_000215.4 (MANE Select); coding-DNA position 2158, A replaced by T.
Protein change: p.Ser720Cys; replaces serine 720 with cysteine.
Molecular consequence: missense variant.
Genome position (GRCh38, 1-based): chr19:17,834,893, T>A on the plus strand (A>T on the coding strand, the complement: JAK3 is on the minus strand). VCF-style: chr19-17834893-T-A. GRCh37 (hg19) VCF-style: chr19-17945702-T-A.
Other names: short protein forms S720C.
Identifiers: ClinVar variation 2735499 (VCV002735499.3), dbSNP rs905946477, ClinGen allele CA306129842.
Genomic context (GRCh38, chr19:17,834,893, plus strand): 5'-CCGGGTGAGGGGCTCTGACCTTAGCAGGATCCAGGGCACTGATGGGCATGGTGACGCCAC[T>A]AAACACTTCCCAGACCGTGGCGCCGAAGCCCCACTTGTCAGCTTCCAAGCTAAGTGTCTG-3'
Protein context (NP_000206.2, residues 710-730): GFGATVWEVF[Ser720Cys]GVTMPISALD

ClinVar aggregate classification (germline): Uncertain significance (1 of 4 stars; one submission).

Conditions:
T-B+ severe combined immunodeficiency due to JAK3 deficiency. Also called: SCID, T CELL-NEGATIVE, B CELL-POSITIVE, NK CELL-NEGATIVE; SCID, autosomal recessive, T-negative/B-positive type. Identifiers: Orphanet 35078, MedGen C1833275, MONDO:0010938, OMIM 600802.

gnomAD v4.1: 3 of 1,614,120 alleles (0.00019%); highest among the groups gnomAD compares: Admixed American, 0.005%; no homozygotes.

Submission:

Labcorp Genetics (formerly Invitae), Labcorp
Classification: Uncertain significance for T-B+ severe combined immunodeficiency due to JAK3 deficiency. Last evaluated: 2025-12-30. Review status: criteria provided, single submitter. Criteria: Invitae Variant Classification Sherloc (09022015). Collection method: clinical testing. Allele origin: germline.
Comment: This sequence change replaces serine, which is neutral and polar, with cysteine, which is neutral and slightly polar, at codon 720 of the JAK3 protein (p.Ser720Cys). This variant is present in population databases (no rsID available, gnomAD 0.006%). This variant has not been reported in the literature in individuals affected with JAK3-related conditions. ClinVar contains an entry for this variant (Variation ID: 2735499). Invitae Evidence Modeling of protein sequence and biophysical properties (such as structural, functional, and spatial information, amino acid conservation, physicochemical variation, residue mobility, and thermodynamic stability) has been performed for this missense variant. However, the output from this modeling did not meet the statistical confidence thresholds required to predict the impact of this variant on JAK3 protein function. In summary, the available evidence is currently insufficient to determine the role of this variant in disease. Therefore, it has been classified as a Variant of Uncertain Significance.